The following is an entry in ClinVar:

NM_016373.4(WWOX):c.200C>G (p.Thr67Ser)

Gene: WWOX (WW domain containing oxidoreductase; plus strand). Cytogenetic location: 16q23.1.
Variant type: single nucleotide variant.
Coding change: c.200C>G on transcript NM_016373.4 (MANE Select); coding-DNA position 200, C replaced by G.
Protein change: p.Thr67Ser; replaces threonine 67 with serine.
Molecular consequence: missense variant. On other transcripts: 5 prime UTR variant (1), non-coding transcript variant (1).
Genome position (GRCh38, 1-based): chr16:78,109,805, C>G. VCF-style: chr16-78109805-C-G. GRCh37 (hg19) VCF-style: chr16-78143702-C-G.
Other names: c.-140C>G (NM_001291997.2); c.200C>G, p.Thr67Ser (NM_130791.5); c.200C>G (NM_016373.2); short protein forms T67S.
Identifiers: ClinVar variation 1348202 (VCV001348202.7), dbSNP rs752003995, ClinGen allele CA8183083.

ClinVar aggregate classification (germline): Uncertain significance. Review status: criteria provided, multiple submitters, no conflicts (2 of 4 stars). 2 submissions from 2 submitters: Uncertain significance (2). Last evaluated 2026-02-02.

Conditions:
Autosomal recessive spinocerebellar ataxia 12. Also called: SPINOCEREBELLAR ATAXIA WITH MENTAL RETARDATION AND EPILEPSY. Identifiers: Orphanet 284282, MedGen C3280452, MONDO:0013687, OMIM 614322.
Developmental and epileptic encephalopathy, 1 (DEE1). Also called: X-linked infantile spasms; West's syndrome; Tonic spasms with clustering, arrest of psychomotor development and hypsarrhythmia on EEG; X-Linked Infantile Spasm Syndrome; Epileptic encephalopathy, early infantile, 1; OHTAHARA SYNDROME, X-LINKED. Identifiers: MedGen C3463992, MONDO:0010632, OMIM 308350. Disease mechanism: loss of function.

Allele frequency attached by ClinVar (database versions not stated): ExAC 0.00001.
gnomAD v4.1: 3 of 1,614,100 alleles (0.00019%); highest among the groups gnomAD compares: African/African-American, 0.0013%; no homozygotes.

Submissions (2):

Labcorp Genetics (formerly Invitae), Labcorp
Classification: Uncertain significance for Developmental and epileptic encephalopathy, 1; Autosomal recessive spinocerebellar ataxia 12. Last evaluated: 2026-02-02. Review status: criteria provided, single submitter. Criteria: Invitae Variant Classification Sherloc (09022015). Collection method: clinical testing. Allele origin: germline.
Comment: This sequence change replaces threonine, which is neutral and polar, with serine, which is neutral and polar, at codon 67 of the WWOX protein (p.Thr67Ser). This variant is present in population databases (rs752003995, gnomAD 0.003%). This variant has not been reported in the literature in individuals affected with WWOX-related conditions. ClinVar contains an entry for this variant (Variation ID: 1348202). An algorithm developed to predict the effect of missense changes on protein structure and function (PolyPhen-2) suggests that this variant is likely to be tolerated. In summary, the available evidence is currently insufficient to determine the role of this variant in disease. Therefore, it has been classified as a Variant of Uncertain Significance.

GeneDx
Classification: Uncertain significance. Last evaluated: 2026-01-21. Review status: criteria provided, single submitter. Criteria: GeneDx Variant Classification Process June 2021. Collection method: clinical testing. Allele origin: germline.
Comment: Not observed at significant frequency in large population cohorts (gnomAD); In silico analysis suggests that this missense variant does not alter protein structure/function; Has not been previously published as pathogenic or benign to our knowledge; This variant is associated with the following publications: (PMID: 25411445)